The following is an entry in ClinVar:

ClinVar aggregate classification (germline): Uncertain significance. Review status: criteria provided, multiple submitters, no conflicts (2 of 4 stars). 2 submissions from 2 submitters: Uncertain significance (2). Last evaluated 2026-01-08.

Conditions:
Dyskeratosis congenita, autosomal recessive 5 (DKCB5). Identifiers: MedGen C3554656, MONDO:0014076, OMIM 615190.
Pulmonary fibrosis and/or bone marrow failure, Telomere-related, 3. Also called: PULMONARY FIBROSIS AND/OR BONE MARROW FAILURE SYNDROME, TELOMERE-RELATED, 3. Identifiers: Orphanet 2032, MedGen C4225346, MONDO:0014613, OMIM 616373.

Allele frequency attached by ClinVar (database versions not stated): gnomAD exomes below 0.00001.
gnomAD v4.1: 5 of 1,611,790 alleles (0.00031%); highest among the groups gnomAD compares: East Asian, 0.0067%; no homozygotes.

Submissions (2):

Labcorp Genetics (formerly Invitae), Labcorp
Classification: Uncertain significance for Dyskeratosis congenita, autosomal recessive 5; Pulmonary fibrosis and/or bone marrow failure, Telomere-related, 3. Last evaluated: 2026-01-08. Review status: criteria provided, single submitter. Criteria: Invitae Variant Classification Sherloc (09022015). Collection method: clinical testing. Allele origin: germline.
Comment: This sequence change replaces alanine, which is neutral and non-polar, with valine, which is neutral and non-polar, at codon 417 of the RTEL1 protein (p.Ala417Val). This variant is not present in population databases (gnomAD no frequency). This variant has not been reported in the literature in individuals affected with RTEL1-related conditions. ClinVar contains an entry for this variant (Variation ID: 2683551). An algorithm developed to predict the effect of missense changes on protein structure and function outputs the following: PolyPhen-2: "Benign". The valine amino acid residue is found in multiple mammalian species, which suggests that this missense change does not adversely affect protein function. In summary, the available evidence is currently insufficient to determine the role of this variant in disease. Therefore, it has been classified as a Variant of Uncertain Significance.

Mayo Clinic Laboratories, Mayo Clinic
Classification: Uncertain significance. Last evaluated: 2022-05-25. Review status: criteria provided, single submitter. Criteria: ACMG Guidelines, 2015. Collection method: clinical testing. Allele origin: germline. Observed: 1 variant allele.
Comment: BP4, PM2

NM_001283009.2(RTEL1):c.1250C>T (p.Ala417Val)

Genes: RTEL1 (regulator of telomere elongation helicase 1; plus strand), RTEL1-TNFRSF6B (RTEL1-TNFRSF6B readthrough (NMD candidate); plus strand). Cytogenetic location: 20q13.33.
Variant type: single nucleotide variant.
Coding change: c.1250C>T on transcript NM_001283009.2 (MANE Select); coding-DNA position 1250, C replaced by T.
Protein change: p.Ala417Val; replaces alanine 417 with valine.
Molecular consequence: missense variant. On other transcripts: non-coding transcript variant (1).
Genome position (GRCh38, 1-based): chr20:63,685,581, C>T. VCF-style: chr20-63685581-C-T. GRCh37 (hg19) VCF-style: chr20-62316934-C-T.
Other names: p.Ala441Val; c.1250C>T, p.Ala417Val (NM_016434.4); c.1322C>T, p.Ala441Val (NM_032957.5); c.581C>T, p.Ala194Val (NM_001283010.1); short protein forms A194V, A417V, A441V.
Identifiers: ClinVar variation 2683551 (VCV002683551.2), dbSNP rs994731449, ClinGen allele CA409675788.